The following is an entry in ClinVar:

ClinVar aggregate classification (germline): Uncertain significance (1 of 4 stars; one submission).

Submission:

Labcorp Genetics (formerly Invitae), Labcorp
Classification: Uncertain significance. Last evaluated: 2022-06-18. Review status: criteria provided, single submitter. Criteria: Invitae Variant Classification Sherloc (09022015). Collection method: clinical testing. Allele origin: germline.
Comment: This variant is not present in population databases (gnomAD no frequency). In summary, the available evidence is currently insufficient to determine the role of this variant in disease. Therefore, it has been classified as a Variant of Uncertain Significance. Algorithms developed to predict the effect of sequence changes on RNA splicing suggest that this variant may disrupt the consensus splice site. This variant has not been reported in the literature in individuals affected with BRWD3-related conditions. This sequence change falls in intron 27 of the BRWD3 gene. It does not directly change the encoded amino acid sequence of the BRWD3 protein.

NM_153252.5(BRWD3):c.3152-6T>C

Gene: BRWD3 (bromodomain and WD repeat domain containing 3; minus strand). Cytogenetic location: Xq21.1.
Variant type: single nucleotide variant.
Coding change: c.3152-6T>C on transcript NM_153252.5 (MANE Select); 6 bases into the intron before coding-DNA position 3152, T replaced by C.
Molecular consequence: intron variant.
Genome position (GRCh38, 1-based): chrX:80,693,057, A>G on the plus strand (T>C on the coding strand, the complement: BRWD3 is on the minus strand). VCF-style: chrX-80693057-A-G. GRCh37 (hg19) VCF-style: chrX-79948556-A-G.
Identifiers: ClinVar variation 2003349 (VCV002003349.4), dbSNP rs2520240843, ClinGen allele CA2580102001.